The following is an entry in ClinVar:

ClinVar aggregate classification (germline): Uncertain significance (1 of 4 stars; one submission).

Allele frequency attached by ClinVar (database versions not stated): gnomAD exomes below 0.00001.

Submission:

Women's Health and Genetics/Laboratory Corporation of America, LabCorp
Classification: Uncertain significance. Last evaluated: 2023-09-18. Review status: criteria provided, single submitter. Criteria: LabCorp Variant Classification Summary - May 2015. Collection method: clinical testing. Allele origin: germline.
Comment: Variant summary: CHAT NM_020549.4:c.58delG (p.Glu20ArgfsX180) located in the coding exon 1 of the longest CHAT gene transcript, results in a premature termination codon, predicted to cause a truncation of the encoded protein or absence of the protein due to nonsense mediated decay in, which are commonly known mechanisms for disease. However, this exon is not expressed in multiple alternate CHAT transcripts to include NM_020986, where it is annotated as CHAT NM_020986.3:c.-69+1045del in the non-coding 5'UTR region of the CHAT gene. The variant was absent in 147800 control chromosomes (gnomAD). To our knowledge, no occurrence of c.58delG or other loss of function variants in exon 1 (c.1 to c.286), in individuals affected with Congenital Myasthenic Syndrome and no experimental evidence demonstrating its impact on protein function have been reported. No submitters have cited clinical-significance assessments for this variant to ClinVar after 2014. Based on the evidence outlined above, the variant was classified as uncertain significance.

NM_020549.5(CHAT):c.58del (p.Glu20fs)

Gene: CHAT (choline O-acetyltransferase; plus strand). Cytogenetic location: 10q11.23.
Variant type: Deletion.
Coding change: c.58del on transcript NM_020549.5 (MANE Select); coding-DNA position 58, one base deleted (G; older notation c.58delG).
Protein change: p.Glu20fs; shifts the reading frame from glutamic acid 20.
Molecular consequence: frameshift variant. On other transcripts: 5 prime UTR variant (3), intron variant (3).
Genome position (GRCh38, 1-based): chr10:49,614,247, G deleted. VCF-style (leftmost placement, unchanged base first): chr10-49614246-AG-A. GRCh37 (hg19) VCF-style: chr10-50822292-AG-A.
Other names: c.-297del (NM_001142929.2); c.-259del (NM_001142933.2); c.-367del (NM_001142934.2); c.-68-2255del (NM_020984.4); c.-240-57del (NM_020985.4); c.-69+1045del (NM_020986.4); short protein forms E20fs.
Identifiers: ClinVar variation 2627271 (VCV002627271.1), dbSNP rs2496286344, ClinGen allele CA2582342675.
Genomic context (GRCh38, chr10:49,614,246, plus strand): 5'-AGGGATGGGGCTGAGGACAGCGAAGAAGAGGGGGCTTGGGGGAGGGGGGAAATGGAAGAG[AG>A]AGGAGGGAGGAGGTACAAGAGGAAGGAGAGAAGTGCGGCCAGCTTGCTTTCTCCAGTCGG-3'